The following is an entry in ClinVar:

NM_000199.5(SGSH):c.746-5_746-4inv

Gene: SGSH (N-sulfoglucosamine sulfohydrolase; minus strand). Cytogenetic location: 17q25.3.
Variant type: Inversion.
Coding change: c.746-5_746-4inv on transcript NM_000199.5 (MANE Select).
Molecular consequence: intron variant.
Genome position: GRCh38 VCF-style: chr17-80212278-TG-CA. GRCh37 (hg19) VCF-style: chr17-78186077-TG-CA.
Other names: c.746-5_746-4inv (NM_001352921.3, NM_001352922.2).
Identifiers: ClinVar variation 2128236 (VCV002128236.4), ClinGen allele CA2580095316.
Genomic context (GRCh38, chr17:80,212,278, plus strand): 5'-CCAGTGTGTCGTTCAGGACACCGGCGTCACGCAGCTCCTGGAGCACCAGTCCAACTCCTG[TG>CA]GTGAGGGGCCGAGAAGCAGAGCTCAGCCGCAGACACGGAGGGAGGCAGCGGGTGGTGTGT-3'

ClinVar aggregate classification (germline): Uncertain significance (1 of 4 stars; one submission).

Conditions:
Mucopolysaccharidosis, MPS-III-A (MPS3A). Also called: HEPARAN SULFATE SULFATASE DEFICIENCY; SANFILIPPO SYNDROME A; SULFAMIDASE DEFICIENCY; MPS III A; Mucopolysaccharidosis, type IIIA; MUCOPOLYSACCHARIDOSIS, TYPE IIIA, ATTENUATED. Identifiers: Orphanet 581, Orphanet 79269, MedGen C0086647, MONDO:0009655, OMIM 252900.

Submission:

Labcorp Genetics (formerly Invitae), Labcorp
Classification: Uncertain significance for Mucopolysaccharidosis, MPS-III-A. Last evaluated: 2022-07-15. Review status: criteria provided, single submitter. Criteria: Invitae Variant Classification Sherloc (09022015). Collection method: clinical testing. Allele origin: germline.
Comment: In summary, the available evidence is currently insufficient to determine the role of this variant in disease. Therefore, it has been classified as a Variant of Uncertain Significance. Experimental studies and prediction algorithms are not available or were not evaluated, and the effect of this variant on mRNA splicing is currently unknown. This variant has not been reported in the literature in individuals affected with SGSH-related conditions. Information on the frequency of this variant in the gnomAD database is not available, as this variant may be reported differently in the database. This sequence change falls in intron 6 of the SGSH gene. It does not directly change the encoded amino acid sequence of the SGSH protein.